The following is an entry in ClinVar:

NM_000179.3(MSH6):c.3761_3764dup (p.Asp1255fs)

Gene: MSH6 (mutS homolog 6; plus strand). Cytogenetic location: 2p16.3.
Variant type: Duplication.
Coding change: c.3761_3764dup on transcript NM_000179.3 (MANE Select); coding-DNA positions 3761 to 3764, 4 bases duplicated (AAGA; older notation c.3761_3764dupAAGA).
Protein change: p.Asp1255fs; shifts the reading frame from aspartic acid 1255.
Molecular consequence: frameshift variant.
Genome position (GRCh38, 1-based): chr2:47,806,318-47,806,321, AAGA duplicated. VCF-style (leftmost placement, unchanged base first): chr2-47806317-G-GAAGA. GRCh37 (hg19) VCF-style: chr2-48033456-G-GAAGA.
Other names: c.3761_3764dupAAGA (NM_000179.2); c.3371_3374dup, p.Asp1125fs (NM_001281492.2); c.2855_2858dup, p.Asp953fs (NM_001281493.2, NM_001281494.2); c.3761_3764dup (NM_000179.2); short protein forms D1255fs, D953fs, D1125fs.
Identifiers: ClinVar variation 824173 (VCV000824173.14), dbSNP rs1572745084, ClinGen allele CA915943966.

ClinVar aggregate classification (germline): Pathogenic. Review status: criteria provided, multiple submitters, no conflicts (2 of 4 stars). 4 submissions from 4 submitters: Pathogenic (4). Last evaluated 2025-09-16.

Conditions:
Hereditary nonpolyposis colorectal neoplasms. Identifiers: MedGen C0009405, MeSH D003123.
Lynch syndrome 5 (LYNCH5). Also called: Colorectal cancer, hereditary nonpolyposis, type 5; Hereditary non-polyposis colorectal cancer, type 5. Identifiers: Orphanet 144, MedGen C1833477, MONDO:0013710, OMIM 614350. Disease mechanism: loss of function.
Hereditary cancer-predisposing syndrome. Also called: Neoplastic Syndromes, Hereditary; Tumor predisposition; Hereditary neoplastic syndrome; Hereditary Cancer Syndrome. Identifiers: Orphanet 140162, MedGen C0027672, MeSH D009386, MONDO:0015356.

Submissions (4):

Myriad Genetics, Inc.
Classification: Pathogenic for Lynch syndrome 5. Last evaluated: 2025-09-16. Review status: criteria provided, single submitter. Criteria: Myriad Autosomal Dominant, Autosomal Recessive and X-Linked Classification Criteria (2023). Collection method: clinical testing. Allele origin: unknown.
Comment: This variant is considered pathogenic. This variant creates a frameshift predicted to result in premature protein truncation.

Labcorp Genetics (formerly Invitae), Labcorp
Classification: Pathogenic for Hereditary nonpolyposis colorectal neoplasms. Last evaluated: 2025-03-26. Review status: criteria provided, single submitter. Criteria: Invitae Variant Classification Sherloc (09022015). Collection method: clinical testing. Allele origin: germline.
Comment: This sequence change creates a premature translational stop signal (p.Asp1255Glufs*21) in the MSH6 gene. It is expected to result in an absent or disrupted protein product. Loss-of-function variants in MSH6 are known to be pathogenic (PMID: 18269114, 24362816). This variant is not present in population databases (gnomAD no frequency). This variant has not been reported in the literature in individuals affected with MSH6-related conditions. ClinVar contains an entry for this variant (Variation ID: 824173). For these reasons, this variant has been classified as Pathogenic.

Quest Diagnostics Nichols Institute San Juan Capistrano
Classification: Pathogenic. Last evaluated: 2024-10-27. Review status: criteria provided, single submitter. Criteria: Quest Diagnostics criteria. Collection method: clinical testing. Allele origin: unknown.
Comment: The MSH6 c.3761_3764dup (p.Asp1255Glufs*21) variant alters the translational reading frame of the MSH6 mRNA and causes the premature termination of MSH6 protein synthesis. This variant has not been reported in individuals with MSH6-related conditions in the published literature. This variant has not been reported in large, multi-ethnic general populations (Genome Aggregation Database). Based on the available information, this variant is classified as pathogenic.

Ambry Genetics
Classification: Pathogenic for Hereditary cancer-predisposing syndrome. Last evaluated: 2024-10-17. Review status: criteria provided, single submitter. Criteria: Ambry Variant Classification Scheme 2023. Collection method: clinical testing. Allele origin: germline.
Comment: The c.3761_3764dupAAGA pathogenic mutation, located in coding exon 8 of the MSH6 gene, results from a duplication of AAGA at nucleotide position 3761, causing a translational frameshift with a predicted alternate stop codon (p.D1255Efs*21). This alteration is expected to result in loss of function by premature protein truncation or nonsense-mediated mRNA decay. As such, this alteration is interpreted as a disease-causing mutation.

Literature cited by the submitters: PubMed 18269114 (cited by Labcorp Genetics (formerly Invitae), Labcorp); PubMed 24362816 (cited by Labcorp Genetics (formerly Invitae), Labcorp).